The following is an entry in ClinVar:

ClinVar aggregate classification (germline): Likely benign. Review status: criteria provided, multiple submitters, no conflicts (2 of 4 stars). 3 submissions from 3 submitters: Likely benign (3). Last evaluated 2025-12-29.

Conditions:
Glycogen storage disease, type V (GSD5). Also called: PYGM DEFICIENCY; McArdle type glycogen storage disease; MCARDLE DISEASE; MUSCLE GLYCOGEN PHOSPHORYLASE DEFICIENCY; MYOPHOSPHORYLASE DEFICIENCY. Identifiers: Orphanet 368, MedGen C0017924, MONDO:0009293, OMIM 232600.

Submissions (3):

Labcorp Genetics (formerly Invitae), Labcorp
Classification: Likely benign for Glycogen storage disease, type V. Last evaluated: 2025-12-29. Review status: criteria provided, single submitter. Criteria: Invitae Variant Classification Sherloc (09022015). Collection method: clinical testing. Allele origin: germline.

Blueprint Genetics
Classification: Likely benign. Last evaluated: 2023-08-03. Review status: criteria provided, single submitter. Criteria: ACMG Guidelines, 2015. Collection method: clinical testing. Allele origin: germline.

GeneDx
Classification: Likely benign. Last evaluated: 2018-01-22. Review status: criteria provided, single submitter. Criteria: GeneDx Variant Classification (06012015). Collection method: clinical testing. Allele origin: germline. Affected: yes.
Comment: This variant is considered likely benign or benign based on one or more of the following criteria: it is a conservative change, it occurs at a poorly conserved position in the protein, it is predicted to be benign by multiple in silico algorithms, and/or has population frequency not consistent with disease.

NM_005609.4(PYGM):c.424+9_424+12del

Gene: PYGM (glycogen phosphorylase, muscle associated; minus strand). Cytogenetic location: 11q13.1.
Variant type: Deletion.
Coding change: c.424+9_424+12del on transcript NM_005609.4 (MANE Select); bases 9 to 12 of the intron after coding-DNA position 424, 4 bases deleted (ACAG; older notation c.424+9_424+12delACAG).
Molecular consequence: intron variant.
Genome position (GRCh38, 1-based): chr11:64,758,425-64,758,428, CTGT deleted on the plus strand (ACAG on the coding strand, the reverse complement: PYGM is on the minus strand); deleting any 4 consecutive bases within chr11:64,758,425-64,758,430 gives the same sequence; the c. name uses the placement nearest the transcript's 3' end. VCF-style (leftmost placement, unchanged base first): chr11-64758424-CCTGT-C. GRCh37 (hg19) VCF-style: chr11-64525896-CCTGT-C.
Other names: c.424+9_424+12delACAG (NM_005609.2); c.244-162_244-159del (NM_001164716.1).
Identifiers: ClinVar variation 514615 (VCV000514615.10), dbSNP rs1393111280, ClinGen allele CA599804103.